The following is an entry in ClinVar:

NM_020435.4(GJC2):c.923C>T (p.Ala308Val)

Gene: GJC2 (gap junction protein gamma 2; plus strand). Cytogenetic location: 1q42.13.
Variant type: single nucleotide variant.
Coding change: c.923C>T on transcript NM_020435.4 (MANE Select); coding-DNA position 923, C replaced by T.
Protein change: p.Ala308Val; replaces alanine 308 with valine.
Molecular consequence: missense variant.
Genome position (GRCh38, 1-based): chr1:228,158,681, C>T. VCF-style: chr1-228158681-C-T. GRCh37 (hg19) VCF-style: chr1-228346382-C-T.
Other names: c.923C>T (NM_020435.3); short protein forms A308V.
Identifiers: ClinVar variation 1938165 (VCV001938165.7), dbSNP rs1411618748, ClinGen allele CA345100018.

ClinVar aggregate classification (germline): Uncertain significance. Review status: criteria provided, multiple submitters, no conflicts (2 of 4 stars). 3 submissions from 3 submitters: Uncertain significance (3). Last evaluated 2026-09-01.

Conditions:
Inborn genetic diseases. Identifiers: MedGen C0950123, MeSH D030342.
Spastic paraplegia. Identifiers: MedGen C0037772, HP:0001258.

Allele frequency attached by ClinVar (database versions not stated): TOPMed 0.00004; gnomAD exomes below 0.00001.
gnomAD v4.1: 9 of 1,072,346 alleles (0.00084%); highest among the groups gnomAD compares: African/African-American, 0.014%; no homozygotes.

Submissions (3):

CeGaT Center for Human Genetics Tuebingen
Classification: Uncertain significance. Last evaluated: 2026-09-01. Review status: criteria provided, single submitter. Criteria: CeGaT Center For Human Genetics Tuebingen Variant Classification Criteria Version 2. Collection method: clinical testing. Allele origin: germline. Affected: yes. Observed: 1 variant allele.
Comment: GJC2: PM2, PP3

Labcorp Genetics (formerly Invitae), Labcorp
Classification: Uncertain significance for Spastic paraplegia. Last evaluated: 2025-12-20. Review status: criteria provided, single submitter. Criteria: Invitae Variant Classification Sherloc (09022015). Collection method: clinical testing. Allele origin: germline.
Comment: This sequence change replaces alanine, which is neutral and non-polar, with valine, which is neutral and non-polar, at codon 308 of the GJC2 protein (p.Ala308Val). This variant is present in population databases (no rsID available, gnomAD 0.02%). This variant has not been reported in the literature in individuals affected with GJC2-related conditions. ClinVar contains an entry for this variant (Variation ID: 1938165). Invitae Evidence Modeling of protein sequence and biophysical properties (such as structural, functional, and spatial information, amino acid conservation, physicochemical variation, residue mobility, and thermodynamic stability) indicates that this missense variant is not expected to disrupt GJC2 protein function with a negative predictive value of 95%. In summary, the available evidence is currently insufficient to determine the role of this variant in disease. Therefore, it has been classified as a Variant of Uncertain Significance.

Ambry Genetics
Classification: Uncertain significance for Inborn genetic diseases. Last evaluated: 2024-08-26. Review status: criteria provided, single submitter. Criteria: Ambry Variant Classification Scheme 2023. Collection method: clinical testing. Allele origin: germline.